The following is an entry in ClinVar:

ClinVar aggregate classification (germline): Pathogenic. Review status: criteria provided, multiple submitters, no conflicts (2 of 4 stars). 11 submissions from 11 submitters: Pathogenic (9). 2 of the submissions do not count toward it. Last evaluated 2025-01-03.

Conditions:
Inborn genetic diseases. Identifiers: MedGen C0950123, MeSH D030342.
Mucopolysaccharidosis, MPS-II (MPS2). Also called: Mucopolysaccharidosis with skin involvement; Mucopolysaccharidosis type 2; Mucopolysaccharidosis Type II; SIDS deficiency; IDS deficiency; Sulfoiduronate sulfatase deficiency. Identifiers: Orphanet 580, Orphanet 79388, MedGen C0026705, MONDO:0010674, OMIM 309900.

Allele frequency attached by ClinVar (database versions not stated): gnomAD exomes below 0.00001.

Submissions (11):

3billion
Classification: Pathogenic for Mucopolysaccharidosis, MPS-II. Last evaluated: 2025-01-03. Review status: criteria provided, single submitter. Criteria: ACMG Guidelines, 2015. Collection method: clinical testing. Allele origin: germline. Affected: yes.
Comment: The variant is observed at an extremely low frequency in the gnomAD v4.1.0 dataset (total allele frequency: <0.001%). Predicted Consequence/Location: Stop-gained (nonsense): predicted to result in a loss or disruption of normal protein function through nonsense-mediated decay (NMD) or protein truncation. Multiple pathogenic variants are reported downstream of the variant. The variant has been reported at least twice as pathogenic with clinical assertions and evidence for the classification (ClinVar ID: VCV000010490 /PMID: 1639384 /3billion dataset). Therefore, this variant is classified as Pathogenic according to the recommendation of ACMG/AMP guideline.

Laboratory of Diagnosis and Therapy of Lysosomal Disorders, University of Padova
Classification: Pathogenic for Mucopolysaccharidosis, MPS-II. Last evaluated: 2024-06-07. Review status: criteria provided, single submitter. Criteria: ACMG Guidelines, 2015. Collection method: literature only. Allele origin: germline. Affected: yes. Observed: 31 variant alleles.
Comment: Null variant (PVS1_VeryStrong), Prevalence of the variant significantly increased in affected individuals compared with controls (PS4_Strong), Absent from controls (or at low frequency) in gnomAD database (PM2_Moderate), Patient’s phenotype or family history highly specific for the disease (PP4_Moderate)

Classification method: ACMG Guidelines [PMID:25741868] with modifications

Labcorp Genetics (formerly Invitae), Labcorp
Classification: Pathogenic for Mucopolysaccharidosis, MPS-II. Last evaluated: 2023-04-01. Review status: criteria provided, single submitter. Criteria: Invitae Variant Classification Sherloc (09022015). Collection method: clinical testing. Allele origin: germline.
Comment: For these reasons, this variant has been classified as Pathogenic. This sequence change creates a premature translational stop signal (p.Arg172*) in the IDS gene. It is expected to result in an absent or disrupted protein product. Loss-of-function variants in IDS are known to be pathogenic (PMID: 8940265, 9875019). This variant is not present in population databases (gnomAD no frequency). This premature translational stop signal has been observed in individuals with mucopolysaccharidosis type II (PMID: 1639384, 7887413, 21829674, 24780617). ClinVar contains an entry for this variant (Variation ID: 10490).

GeneDx
Classification: Pathogenic. Last evaluated: 2023-01-18. Review status: criteria provided, single submitter. Criteria: GeneDx Variant Classification Process June 2021. Collection method: clinical testing. Allele origin: germline. Affected: yes.
Comment: Nonsense variant predicted to result in protein truncation or nonsense mediated decay in a gene for which loss of function is a known mechanism of disease; Not observed at significant frequency in large population cohorts (gnomAD); This variant is associated with the following publications: (PMID: 35144014, 25525159, 33676511, 21829674, 7887413, 9875019, 1639384, 30639582, 28077157)

Foundation for Research in Genetics and Endocrinology, FRIGE's Institute of Human Genetics
Classification: Pathogenic for Mucopolysaccharidosis, MPS-II. Last evaluated: 2023-01-16. Review status: criteria provided, single submitter. Criteria: ACMG Guidelines, 2015. Collection method: clinical testing. Allele origin: germline. Inheritance: X-linked recessive inheritance. Affected: yes. Observed: 1 hemizygote.
Comment: A Hemizygous missense variation in exon 5 of the IDS gene that results in the termination of amino acid chain at codon 172 was detected. The observed variant c.514C>T (p.Arg172Ter) has not been reported in the 1000 genomes and gnomAD databases. The in silico prediction of the variant are possibly damaging by CADD and MutationTaster2. In summary, the variant meets our criteria to be classified as pathogenic.

Genome-Nilou Lab
Classification: Pathogenic for Mucopolysaccharidosis, MPS-II. Last evaluated: 2021-09-05. Review status: criteria provided, single submitter. Criteria: ACMG Guidelines, 2015. Collection method: clinical testing. Allele origin: germline. Affected: no.

Laboratorio de Genetica e Diagnostico Molecular, Hospital Israelita Albert Einstein
Classification: Pathogenic for Mucopolysaccharidosis, MPS-II. Last evaluated: 2021-07-13. Review status: criteria provided, single submitter. Criteria: ACMG Guidelines, 2015. Collection method: clinical testing. Allele origin: germline. Affected: yes.
Comment: ACMG classification criteria: PVS1 very strong, PS3 supporting, PS4 moderate, PM2 moderate

Ambry Genetics
Classification: Pathogenic for Inborn genetic diseases. Last evaluated: 2014-07-18. Review status: criteria provided, single submitter. Criteria: Ambry Variant Classification Scheme 2023. Collection method: clinical testing. Allele origin: germline.
Comment: The p.R172* pathogenic mutation (also known as c.514C>T and 638C>T), located in coding exon 5 of the IDS gene, results from a C to T substitution at nucleotide position 514. This changes the amino acid from an arginine to a stop codon within coding exon 5. This mutation was originally reported in a patient with a clinical diagnosis Hunter syndrome (Flomen RH et al. Genomics. 1992;13(3):543-550). In addition to the clinical data presented in the literature, since premature stop codons are typically deleterious in nature, this alteration is interpreted as a disease-causing mutation (ACMG Recommendations for Standards for Interpretation and Reporting of Sequence Variations. Revision 2007. Genet Med. 2008;10:294).

Department of Medical Genetics, Sanjay Gandhi Post Graduate Institute of Medical Sciences
Classification: Pathogenic for Mucopolysaccharidosis, MPS-II. Review status: criteria provided, single submitter. Criteria: ACMG Guidelines, 2015. Collection method: clinical testing. Allele origin: germline. Inheritance: X-linked recessive inheritance. Affected: yes. Observed: 1 variant allele, 1 hemizygote.

Division of Medical Genetics, Department of Pediatrics, All India Institute of Medical Sciences, New Delhi
Classification: Affects for Mucopolysaccharidosis, MPS-II. Last evaluated: 2014-04-04. Review status: no assertion criteria provided. Collection method: research. Allele origin: germline. Inheritance: X-linked recessive inheritance. Affected: yes. Observed: 2 variant alleles, 2 hemizygotes. Clinical features observed: Coarse facial features (HP:0000280), Arthropathy (HP:0003040), Hernia (HP:0100790), Hepatosplenomegaly (HP:0001433), Developmental regression (HP:0002376), Delayed gross motor development (HP:0002194), Abnormal echocardiogram (HP:0003116), Glaucoma (HP:0000501). Not counted in ClinVar's aggregate classification.
Comment: The change c.514C>T (p.R172*) was found to be a nonsense variant, where the basic polar amino acid Arginine at 172 position was substituted by stop codon leading to early truncation of the peptide. It was found in the hemizygous condition in two non-familial patients with sever MPS-II phenotype. The patients hails from the Delhi and Bihar, India.

OMIM
Classification: Pathogenic for MUCOPOLYSACCHARIDOSIS, TYPE II. Last evaluated: 1992-07-01. Review status: no assertion criteria provided. Collection method: literature only. Allele origin: germline. Not counted in ClinVar's aggregate classification.

Literature cited by the submitters: PubMed 1639384 (cited by 5 submitters); PubMed 35144014 (cited by Laboratory of Diagnosis and Therapy of Lysosomal Disorders, University of Padova); PubMed 8281149 (cited by Laboratory of Diagnosis and Therapy of Lysosomal Disorders, University of Padova); PubMed 28077157 (cited by Laboratory of Diagnosis and Therapy of Lysosomal Disorders, University of Padova); PubMed 24780617 (cited by Laboratory of Diagnosis and Therapy of Lysosomal Disorders, University of Padova and Labcorp Genetics (formerly Invitae), Labcorp); PubMed 11858372 (cited by Laboratory of Diagnosis and Therapy of Lysosomal Disorders, University of Padova); PubMed 8111411 (cited by Laboratory of Diagnosis and Therapy of Lysosomal Disorders, University of Padova); PubMed 9501270 (cited by Laboratory of Diagnosis and Therapy of Lysosomal Disorders, University of Padova); PubMed 7887413 (cited by Laboratory of Diagnosis and Therapy of Lysosomal Disorders, University of Padova and Labcorp Genetics (formerly Invitae), Labcorp); PubMed 27246110 (cited by Laboratory of Diagnosis and Therapy of Lysosomal Disorders, University of Padova); PubMed 8940265 (cited by Laboratory of Diagnosis and Therapy of Lysosomal Disorders, University of Padova and Labcorp Genetics (formerly Invitae), Labcorp); PubMed 9875019 (cited by Laboratory of Diagnosis and Therapy of Lysosomal Disorders, University of Padova and Labcorp Genetics (formerly Invitae), Labcorp); PubMed 21829674 (cited by Laboratory of Diagnosis and Therapy of Lysosomal Disorders, University of Padova and Labcorp Genetics (formerly Invitae), Labcorp); PubMed 30639582 (cited by Laboratory of Diagnosis and Therapy of Lysosomal Disorders, University of Padova); PubMed 36713083 (cited by Laboratory of Diagnosis and Therapy of Lysosomal Disorders, University of Padova).

NM_000202.8(IDS):c.514C>T (p.Arg172Ter)

Genes: IDS (iduronate 2-sulfatase; minus strand), LOC106050102 (IDS recombination region; plus strand). Cytogenetic location: Xq28.
Variant type: single nucleotide variant.
Coding change: c.514C>T on transcript NM_000202.8 (MANE Select); coding-DNA position 514, C replaced by T.
Protein change: p.Arg172Ter; replaces arginine 172 with a stop codon.
Molecular consequence: nonsense. On other transcripts: non-coding transcript variant (1).
Genome position (GRCh38, 1-based): chrX:149,498,301, G>A on the plus strand (C>T on the coding strand, the complement: IDS is on the minus strand). VCF-style: chrX-149498301-G-A. GRCh37 (hg19) VCF-style: chrX-148579832-G-A.
Other names: p.Arg172Ter; c.244C>T, p.Arg82Ter (NM_001166550.4); c.514C>T, p.Arg172Ter (NM_006123.5); c.514C>T (NM_000202.5, NM_000202.4); short protein forms R172*, R82*.
Identifiers: ClinVar variation 10490 (VCV000010490.21), dbSNP rs104894860, ClinGen allele CA255272.